The following is an entry in ClinVar:

NM_152564.5(VPS13B):c.2833CTT[1] (p.Leu946del)

Gene: VPS13B (vacuolar protein sorting 13 homolog B; plus strand). Cytogenetic location: 8q22.2.
Variant type: Microsatellite.
Coding change: c.2833CTT[1] on transcript NM_152564.5 (MANE Select); one copy of the 3-base unit CTT starting at c.2833; the reference has two copies in a row; one copy, 3 bases deleted.
Protein change: p.Leu946del; deletes leucine 946.
Molecular consequence: inframe deletion. On other transcripts: inframe indel (2).
Genome position (GRCh38, 1-based): chr8:99,384,219-99,384,221, CTT deleted; deleting any 3 consecutive bases within chr8:99,384,216-99,384,221 gives the same sequence; the position shown is the placement nearest the transcript's 3' end. VCF-style (leftmost placement, unchanged base first): chr8-99384215-ACTT-A. GRCh37 (hg19) VCF-style: chr8-100396443-ACTT-A.
Other names: c.2836_2838delCTT (NM_152564.4); c.2833CTT[1], p.Leu946del (NM_017890.5); c.2833_2835CTT[1], p.Leu946del (NM_152564.4); short protein forms L946del.
Identifiers: ClinVar variation 4994382 (VCV004994382.1).

ClinVar aggregate classification (germline): Uncertain significance (1 of 4 stars; one submission).

Conditions:
VPS13B-related disorder. Also called: VPS13B-related condition.

Submission:

PreventionGenetics, part of Exact Sciences
Classification: Uncertain significance for VPS13B-related condition. Last evaluated: 2026-03-24. Review status: criteria provided, single submitter. Criteria: ACMG Guidelines, 2015. Collection method: clinical testing. Allele origin: germline.
Comment: The VPS13B c.2836_2838delCTT variant is predicted to result in an in-frame deletion (p.Leu946del). To our knowledge, this variant has not been reported in the literature or in a large population database (gnomAD), indicating this variant is rare. At this time, the clinical significance of this variant is uncertain due to the absence of conclusive functional and genetic evidence.